The following is an entry in ClinVar:

ClinVar aggregate classification (germline): Conflicting classifications of pathogenicity. Review status: criteria provided, conflicting classifications (1 of 4 stars). 2 submissions from 2 submitters: Uncertain significance (1); Likely benign (1). Last evaluated 2025-12-15.

Conditions:
Hereditary cancer-predisposing syndrome. Also called: Tumor predisposition; Hereditary Cancer Syndrome; Hereditary neoplastic syndrome; Neoplastic Syndromes, Hereditary. Identifiers: Orphanet 140162, MedGen C0027672, MeSH D009386, MONDO:0015356.

Submissions (2):

Ambry Genetics
Classification: Uncertain significance for Hereditary cancer-predisposing syndrome. Last evaluated: 2025-12-15. Review status: criteria provided, single submitter. Criteria: Ambry Variant Classification Scheme 2023. Collection method: clinical testing. Allele origin: germline.
Comment: The p.N886D variant (also known as c.2656A>G), located in coding exon 10 of the BRCA2 gene, results from an A to G substitution at nucleotide position 2656. The asparagine at codon 886 is replaced by aspartic acid, an amino acid with highly similar properties. This amino acid position is not well conserved in available vertebrate species. In addition, this alteration is predicted to be tolerated by in silico analysis. Since supporting evidence is limited at this time, the clinical significance of this alteration remains unclear.

University of Washington Department of Laboratory Medicine, University of Washington
Classification: Likely benign for Hereditary cancer-predisposing syndrome. Last evaluated: 2023-03-23. Review status: criteria provided, single submitter. Criteria: Dines et al. (Genet Med. 2020). Collection method: curation. Allele origin: germline.
Comment: Missense variant in a coldspot region where missense variants are very unlikely to be pathogenic (PMID:31911673).

BRCA2 exon 11 coldspot. Reclassification based on statistical prior probability.

NM_000059.4(BRCA2):c.2656A>G (p.Asn886Asp)

Gene: BRCA2 (BRCA2 DNA repair associated; plus strand). Cytogenetic location: 13q13.1.
Variant type: single nucleotide variant.
Coding change: c.2656A>G on transcript NM_000059.4 (MANE Select); coding-DNA position 2656, A replaced by G.
Protein change: p.Asn886Asp; replaces asparagine 886 with aspartic acid.
Molecular consequence: missense variant.
Genome position (GRCh38, 1-based): chr13:32,337,011, A>G. VCF-style: chr13-32337011-A-G. GRCh37 (hg19) VCF-style: chr13-32911148-A-G.
Other names: c.2656A>G, p.Asn886Asp (NM_001406719.1, NM_001406720.1); short protein forms N886D.
Identifiers: ClinVar variation 1794377 (VCV001794377.5), dbSNP rs1205280922, ClinGen allele CA387773325.